The following is an entry in ClinVar:

NM_001164508.2(NEB):c.23490_23491del (p.Lys7830fs)

Genes: NEB (nebulin; minus strand), RIF1 (replication timing regulatory factor 1; plus strand). Cytogenetic location: 2q23.3.
Variant type: Deletion.
Coding change: c.23490_23491del on transcript NM_001164508.2 (MANE Select); coding-DNA positions 23490 to 23491, 2 bases deleted (AA; older notation c.23490_23491delAA).
Protein change: p.Lys7830fs; shifts the reading frame from lysine 7830.
Molecular consequence: frameshift variant.
Genome position (GRCh38, 1-based): chr2:151,506,974-151,506,975, TT deleted on the plus strand (AA on the coding strand, the reverse complement: NEB is on the minus strand); deleting any 2 consecutive bases within chr2:151,506,974-151,506,978 gives the same sequence; the c. name uses the placement nearest the transcript's 3' end. VCF-style (leftmost placement, unchanged base first): chr2-151506973-ATT-A. GRCh37 (hg19) VCF-style: chr2-152363487-ATT-A.
Other names: c.23490_23491del, p.Lys7830fs (NM_001164507.2); c.23595_23596del, p.Lys7865fs (NM_001271208.2); c.18387_18388del, p.Lys6129fs (NM_004543.5); short protein forms K6129fs, K7830fs, K7865fs.
Identifiers: ClinVar variation 4293755 (VCV004293755.1).

ClinVar aggregate classification (germline): Likely pathogenic (1 of 4 stars; one submission).

Conditions:
Nemaline myopathy 2 (NEM2). Also called: Nemaline myopathy 2, autosomal recessive. Identifiers: MedGen C1850569, MONDO:0009725, OMIM 256030.

Submission:

3billion
Classification: Likely pathogenic for Nemaline myopathy 2. Last evaluated: 2024-12-26. Review status: criteria provided, single submitter. Criteria: ACMG Guidelines, 2015. Collection method: clinical testing. Allele origin: germline. Affected: yes.
Comment: The variant is not observed in the gnomAD v4.1.0 dataset. Predicted Consequence/Location: Frameshift: predicted to result in a loss or disruption of normal protein function through nonsense-mediated decay (NMD) or protein truncation. Multiple pathogenic variants are reported downstream of the variant. Therefore, this variant is classified as Likely pathogenic according to the recommendation of ACMG/AMP guideline.